The following is an entry in ClinVar:

ClinVar aggregate classification (germline): Likely pathogenic (1 of 4 stars; one submission).

Conditions:
Wiedemann-Steiner syndrome (WDSTS). Also called: Growth deficiency and mental retardation with facial dysmorphism. Identifiers: Orphanet 319182, MedGen C1854630, MONDO:0011518, OMIM 605130.

Submission:

3billion
Classification: Likely pathogenic for Wiedemann-Steiner syndrome. Last evaluated: 2024-02-16. Review status: criteria provided, single submitter. Criteria: ACMG Guidelines, 2015. Collection method: clinical testing. Allele origin: germline. Affected: yes.
Comment: The variant is not observed in the gnomAD v2.1.1 dataset. Predicted Consequence/Location: Canonical splice site: predicted to alter splicing and result in a loss or disruption of normal protein function. Multiple pathogenic loss-of-function variants are reported downstream of the variant. In silico tools predict the variant to alter splicing and produce an abnormal transcript [Splice AI: 0.93 (spliceogenicity >=0.2, non-spliceogenicity <0.1)]. Therefore, this variant is classified as Likely pathogenic according to the recommendation of ACMG/AMP guideline.

NM_001197104.2(KMT2A):c.11321+1G>A

Genes: KMT2A (lysine methyltransferase 2A; plus strand), TTC36-AS1 (TTC36 and KMT2A antisense RNA 1; minus strand). Cytogenetic location: 11q23.3.
Variant type: single nucleotide variant.
Coding change: c.11321+1G>A on transcript NM_001197104.2 (MANE Select); the canonical splice donor site of the intron after coding-DNA position 11321, G replaced by A.
Molecular consequence: splice donor variant.
Genome position (GRCh38, 1-based): chr11:118,519,793, G>A. VCF-style: chr11-118519793-G-A. GRCh37 (hg19) VCF-style: chr11-118390508-G-A.
Other names: c.11411+1G>A (NM_001412597.1); c.11312+1G>A (NM_005933.4).
Identifiers: ClinVar variation 3775632 (VCV003775632.1).